The following is an entry in ClinVar:

ClinVar aggregate classification (germline): Likely benign (1 of 4 stars; one submission).

Submission:

CeGaT Center for Human Genetics Tuebingen
Classification: Likely benign. Last evaluated: 2025-08-01. Review status: criteria provided, single submitter. Criteria: CeGaT Center For Human Genetics Tuebingen Variant Classification Criteria Version 2. Collection method: clinical testing. Allele origin: germline. Affected: yes. Observed: 1 variant allele.
Comment: PTCH1: PM2:Supporting, BP4, BP7

NM_000264.5(PTCH1):c.2556T>C (p.Leu852=)

Genes: PTCH1 (patched 1; minus strand), LOC100507346 (uncharacterized LOC100507346; plus strand). Cytogenetic location: 9q22.32.
Variant type: single nucleotide variant.
Coding change: c.2556T>C on transcript NM_000264.5 (MANE Select); coding-DNA position 2556, T replaced by C.
Protein change: p.Leu852=; no amino-acid change (leucine 852 retained).
Molecular consequence: synonymous variant. On other transcripts: non-coding transcript variant (2).
Genome position (GRCh38, 1-based): chr9:95,467,120, A>G on the plus strand (T>C on the coding strand, the complement: PTCH1 is on the minus strand). VCF-style: chr9-95467120-A-G. GRCh37 (hg19) VCF-style: chr9-98229402-A-G.
Other names: c.2358T>C, p.Leu786= (NM_001083602.3); c.2553T>C, p.Leu851= (NM_001083603.3); c.2103T>C, p.Leu701= (NM_001083604.3, NM_001083605.3, NM_001083606.3 and 1 more transcripts); c.2400T>C, p.Leu800= (NM_001354918.2).
Identifiers: ClinVar variation 4085025 (VCV004085025.8).
Genomic context (GRCh38, chr9:95,467,120, plus strand): 5'-GTTGAAGCTGAACACGCAAAAGACCGAAAGGACGAGAGCCTCCCACGCCGTCTTACCCTG[A>G]AGCCAGTCTCTGAAGTAGTGCAGCCACATTTTGGGAAGCTGTTTGTTTTCTTCCAACATG-3'
Protein context (NP_000255.2, residues 842-862): KMWLHYFRDW[Leu852=]QGLQDAFDSD